The following is an entry in ClinVar:

ClinVar aggregate classification (germline): Pathogenic (1 of 4 stars; one submission).

Submission:

Labcorp Genetics (formerly Invitae), Labcorp
Classification: Pathogenic. Last evaluated: 2025-04-03. Review status: criteria provided, single submitter. Criteria: Invitae Variant Classification Sherloc (09022015). Collection method: clinical testing. Allele origin: germline.
Comment: This sequence change creates a premature translational stop signal (p.Leu28Alafs*44) in the TTPA gene. It is expected to result in an absent or disrupted protein product. Loss-of-function variants in TTPA are known to be pathogenic (PMID: 9463307, 26068213). This variant is not present in population databases (gnomAD no frequency). This variant has not been reported in the literature in individuals affected with TTPA-related conditions. For these reasons, this variant has been classified as Pathogenic.

Literature cited by the submitters: PubMed 9463307; PubMed 26068213.

NM_000370.3(TTPA):c.80_81dup (p.Leu28fs)

Gene: TTPA (alpha tocopherol transfer protein; minus strand). Cytogenetic location: 8q12.3.
Variant type: Duplication.
Coding change: c.80_81dup on transcript NM_000370.3 (MANE Select); coding-DNA positions 80 to 81, 2 bases duplicated (GC; older notation c.80_81dupGC).
Protein change: p.Leu28fs; shifts the reading frame from leucine 28.
Molecular consequence: frameshift variant. On other transcripts: non-coding transcript variant (3).
Genome position (GRCh38, 1-based): chr8:63,085,941-63,085,942, GC duplicated on the plus strand (GC on the coding strand, the reverse complement: TTPA is on the minus strand). VCF-style (leftmost placement, unchanged base first): chr8-63085940-G-GGC. GRCh37 (hg19) VCF-style: chr8-63998499-G-GGC.
Other names: c.80_81dup, p.Leu28fs (NM_001413414.1, NM_001413415.1, NM_001413416.1 and 2 more transcripts); short protein forms L28fs.
Identifiers: ClinVar variation 4716671 (VCV004716671.1).